The following is an entry in ClinVar:

NM_001020658.2(PUM1):c.1159del (p.Leu387fs)

Gene: PUM1 (pumilio RNA binding family member 1; minus strand). Cytogenetic location: 1p35.2.
Variant type: Deletion.
Coding change: c.1159del on transcript NM_001020658.2 (MANE Select); coding-DNA position 1159, one base deleted (C; older notation c.1159delC).
Protein change: p.Leu387fs; shifts the reading frame from leucine 387.
Molecular consequence: frameshift variant.
Genome position (GRCh38, 1-based): chr1:30,981,405, G deleted on the plus strand (C on the coding strand, the reverse complement: PUM1 is on the minus strand). VCF-style (leftmost placement, unchanged base first): chr1-30981404-AG-A. GRCh37 (hg19) VCF-style: chr1-31454251-AG-A.
Other names: c.1159del, p.Leu387fs (NM_014676.3); short protein forms L387fs.
Identifiers: ClinVar variation 3777062 (VCV003777062.1).

ClinVar aggregate classification (germline): Pathogenic (1 of 4 stars; one submission).

Conditions:
PUM1-associated developmental disability-ataxia-seizure syndrome. Identifiers: Orphanet 589515, MedGen CN376901, MONDO:0958231.

Submission:

Mendelics
Classification: Pathogenic for Spinocerebellar ataxia 47. Last evaluated: 2022-07-17. Review status: criteria provided, single submitter. Criteria: ACMG Guidelines, 2015. Collection method: clinical testing. Allele origin: de novo. Inheritance: Autosomal dominant inheritance.
Comment: The variant was not found in population databases and was confirmed as de novo with paternal and maternal confirmation. Since it promotes early interruption of protein translation, it is therefore considered pathogenic (PVS1, PS2, PM2).